The following is an entry in ClinVar:

ClinVar aggregate classification (germline): Uncertain significance. Review status: criteria provided, multiple submitters, no conflicts (2 of 4 stars). 4 submissions from 4 submitters: Uncertain significance (4). Last evaluated 2026-03-02.

Conditions:
Very long chain acyl-CoA dehydrogenase deficiency (ACADVLD). Also called: Very Long-Chain Acyl-Coenzyme A Dehydrogenase Deficiency; VLCAD Deficiency. Identifiers: Orphanet 26793, MedGen C3887523, MONDO:0008723, OMIM 201475.
Incidental Discovery. Identifiers: MedGen C1135954.

Allele frequency attached by ClinVar (database versions not stated): gnomAD exomes 0.00001.
gnomAD v4.1: 11 of 1,614,120 alleles (0.00068%); highest among the groups gnomAD compares: Admixed American, 0.0033%; no homozygotes.

Submissions (4):

Clinical Genetics Laboratory, Skane University Hospital Lund
Classification: Uncertain significance for Incidental Discovery. Last evaluated: 2026-03-02. Review status: criteria provided, single submitter. Criteria: ACMG Guidelines, 2015. Collection method: clinical testing. Allele origin: germline.
Comment: Detected in compound with NM_000018.4(ACADVL):c.1077+2T>C. ACMG criteria applied: PM2, PM3, PP3.

Labcorp Genetics (formerly Invitae), Labcorp
Classification: Uncertain significance for Very long chain acyl-CoA dehydrogenase deficiency. Last evaluated: 2021-09-17. Review status: criteria provided, single submitter. Criteria: Invitae Variant Classification Sherloc (09022015). Collection method: clinical testing. Allele origin: germline.
Comment: This sequence change replaces valine with methionine at codon 322 of the ACADVL protein (p.Val322Met). The valine residue is highly conserved and there is a small physicochemical difference between valine and methionine. This variant is not present in population databases (ExAC no frequency). This variant has not been reported in the literature in individuals with ACADVL-related conditions. Algorithms developed to predict the effect of missense changes on protein structure and function are either unavailable or do not agree on the potential impact of this missense change (SIFT: "Deleterious"; PolyPhen-2: "Possibly Damaging"; Align-GVGD: "Class C0"). In summary, the available evidence is currently insufficient to determine the role of this variant in disease. Therefore, it has been classified as a Variant of Uncertain Significance.

Genome-Nilou Lab
Classification: Uncertain significance for Very long chain acyl-CoA dehydrogenase deficiency. Last evaluated: 2021-07-14. Review status: criteria provided, single submitter. Criteria: ACMG Guidelines, 2015. Collection method: clinical testing. Allele origin: germline. Affected: no.

Wong Mito Lab, Molecular and Human Genetics, Baylor College of Medicine
Classification: Uncertain significance for Very long chain acyl-CoA dehydrogenase deficiency. Last evaluated: 2019-11-01. Review status: criteria provided, single submitter. Criteria: ACMG Guidelines, 2015. Collection method: clinical testing. Allele origin: germline.
Comment: The NM_000018.3:c.964G>A (NP_000009.1:p.Val322Met) [GRCH38: NC_000017.11:g.7222752G>A] variant in ACADVL gene is interpretated to be Uncertain Significance based on ACMG guidelines (PMID: 25741868). This variant has been reported. This variant meets the following evidence codes reported in the ACMG guidelines: PP3

NM_000018.4(ACADVL):c.964G>A (p.Val322Met)

Gene: ACADVL (acyl-CoA dehydrogenase very long chain; plus strand). Cytogenetic location: 17p13.1.
Variant type: single nucleotide variant.
Coding change: c.964G>A on transcript NM_000018.4 (MANE Select); coding-DNA position 964, G replaced by A.
Protein change: p.Val322Met; replaces valine 322 with methionine.
Molecular consequence: missense variant.
Genome position (GRCh38, 1-based): chr17:7,222,752, G>A. VCF-style: chr17-7222752-G-A. GRCh37 (hg19) VCF-style: chr17-7126071-G-A.
Other names: c.898G>A, p.Val300Met (NM_001033859.3); c.1033G>A, p.Val345Met (NM_001270447.2); c.736G>A, p.Val246Met (NM_001270448.2); short protein forms V300M, V345M, V246M, V322M.
Identifiers: ClinVar variation 932866 (VCV000932866.11), dbSNP rs1257648581, ClinGen allele CA397724059.